The following is an entry in ClinVar:

ClinVar aggregate classification (germline): Uncertain significance (1 of 4 stars; one submission).

Submission:

Labcorp Genetics (formerly Invitae), Labcorp
Classification: Uncertain significance. Last evaluated: 2023-01-18. Review status: criteria provided, single submitter. Criteria: Invitae Variant Classification Sherloc (09022015). Collection method: clinical testing. Allele origin: germline.
Comment: This sequence change replaces arginine, which is basic and polar, with proline, which is neutral and non-polar, at codon 214 of the NFKB1 protein (p.Arg214Pro). In summary, the available evidence is currently insufficient to determine the role of this variant in disease. Therefore, it has been classified as a Variant of Uncertain Significance. Advanced modeling of protein sequence and biophysical properties (such as structural, functional, and spatial information, amino acid conservation, physicochemical variation, residue mobility, and thermodynamic stability) performed at Invitae indicates that this missense variant is expected to disrupt NFKB1 protein function. This variant has not been reported in the literature in individuals affected with NFKB1-related conditions. This variant is not present in population databases (gnomAD no frequency).

NM_003998.4(NFKB1):c.641G>C (p.Arg214Pro)

Gene: NFKB1 (nuclear factor kappa B subunit 1; plus strand). Cytogenetic location: 4q24.
Variant type: single nucleotide variant.
Coding change: c.641G>C on transcript NM_003998.4 (MANE Select); coding-DNA position 641, G replaced by C.
Protein change: p.Arg214Pro; replaces arginine 214 with proline.
Molecular consequence: missense variant.
Genome position (GRCh38, 1-based): chr4:102,578,950, G>C. VCF-style: chr4-102578950-G-C. GRCh37 (hg19) VCF-style: chr4-103500107-G-C.
Other names: c.638G>C, p.Arg213Pro (NM_001165412.2, NM_001319226.2, NM_001382627.1); c.641G>C, p.Arg214Pro (NM_001382625.1, NM_001382626.1); c.599G>C, p.Arg200Pro (NM_001382628.1); short protein forms R200P, R214P, R213P.
Identifiers: ClinVar variation 2829921 (VCV002829921.3), dbSNP rs2476415422, ClinGen allele CA357959618.
Genomic context (GRCh38, chr4:102,578,950, plus strand): 5'-AAGAGCTAATCCGCCAAGCAGCTCTGCAGCAGACCAAGGAGATGGACCTCAGCGTGGTGC[G>C]GCTCATGTTTACAGCTTTTCTTCCGGATAGCACTGGCAGCTTCACAAGGCGCCTGGAACC-3'
Protein context (NP_003989.2, residues 204-224): QTKEMDLSVV[Arg214Pro]LMFTAFLPDS